The following is an entry in ClinVar:

ClinVar aggregate classification (germline): Likely pathogenic (1 of 4 stars; one submission).

Conditions:
Maturity-onset diabetes of the young (MODY). Also called: Maturity onset diabetes mellitus in young. Identifiers: Orphanet 552, MedGen C0342276, MONDO:0018911, HP:0004904.

Allele frequency attached by ClinVar (database versions not stated): gnomAD exomes below 0.00001.
gnomAD v4.1: 1 of 1,586,898 alleles (0.000063%); highest among the groups gnomAD compares: South Asian, 0.0011%; no homozygotes.

Submission:

Molecular Genetics, Royal Melbourne Hospital
Classification: Likely pathogenic for Maturity-onset diabetes of the young. Last evaluated: 2022-03-03. Review status: criteria provided, single submitter. Criteria: ACMG Guidelines, 2015. Collection method: clinical testing. Allele origin: germline. Affected: yes.
Comment: This sequence change in RFX6 is a nonsense variant predicted to cause a premature stop codon, p.(Glu56*), in biologically-relevant-exon 1/19 leading to nonsense mediated decay in a gene in which loss-of-function is an established disease mechanism (PMID: 29026101, 31001871). This variant is absent from gnomAD v2.1 and v3.1. To our knowledge, this variant has not been reported in the literature in any individuals with RFX6-related disease. Based on the classification scheme RMH Modified ACMG Guidelines v1.5.1, this variant is classified as LIKELY PATHOGENIC. Following criteria are met: PVS1, PM2_Supporting.

Literature cited by the submitters: PubMed 29026101; PubMed 31001871.

NM_173560.4(RFX6):c.166G>T (p.Glu56Ter)

Genes: RFX6 (regulatory factor X6; plus strand), LOC127407129 (RFX6 promoter region; plus strand). Cytogenetic location: 6q22.1.
Variant type: single nucleotide variant.
Coding change: c.166G>T on transcript NM_173560.4 (MANE Select); coding-DNA position 166, G replaced by T.
Protein change: p.Glu56Ter; replaces glutamic acid 56 with a stop codon.
Molecular consequence: nonsense.
Genome position (GRCh38, 1-based): chr6:116,877,441, G>T. VCF-style: chr6-116877441-G-T. GRCh37 (hg19) VCF-style: chr6-117198604-G-T.
Other names: short protein forms E56*.
Identifiers: ClinVar variation 3068603 (VCV003068603.1), dbSNP rs1774484879, ClinGen allele CA365425656.